The following is an entry in ClinVar:

NM_033004.4(NLRP1):c.160G>A (p.Ala54Thr)

Gene: NLRP1 (NLR family pyrin domain containing 1; minus strand). Cytogenetic location: 17p13.2.
Variant type: single nucleotide variant.
Coding change: c.160G>A on transcript NM_033004.4 (MANE Select); coding-DNA position 160, G replaced by A.
Protein change: p.Ala54Thr; replaces alanine 54 with threonine.
Molecular consequence: missense variant.
Genome position (GRCh38, 1-based): chr17:5,583,798, C>T on the plus strand (G>A on the coding strand, the complement: NLRP1 is on the minus strand). VCF-style: chr17-5583798-C-T. GRCh37 (hg19) VCF-style: chr17-5487118-C-T.
Other names: c.160G>A, p.Ala54Thr (NM_001033053.3, NM_014922.5, NM_033006.4 and 1 more transcripts); short protein forms A54T.
Identifiers: ClinVar variation 375413 (VCV000375413.4), dbSNP rs1057519492, ClinGen allele CA16044249.
Genomic context (GRCh38, chr17:5,583,798, plus strand): 5'-AGGTATGGAGGGCTAGGTCCCAGGCCCGCTGCTCCCCATACTGAGCCACCAGGTACGAGG[C>T]CACCTCCATGCCACTCGTCTTCTCTGGCTGAGCGGGTGTCTCACCCGAAGAGCTCCTGGA-3'
Protein context (NP_127497.1, residues 44-64): QPEKTSGMEV[Ala54Thr]SYLVAQYGEQ

ClinVar aggregate classification (germline): Pathogenic. Review status: criteria provided, single submitter (1 of 4 stars). 2 submissions from 2 submitters: Pathogenic (1). 1 of the submissions does not count toward it. Last evaluated 2025-12-24.

Conditions:
Corneal intraepithelial dyskeratosis-palmoplantar hyperkeratosis-laryngeal dyskeratosis syndrome. Also called: Palmoplantar carcinoma, multiple self-healing. Identifiers: Orphanet 352662, MedGen C3808876, MONDO:0014089, OMIM 615225.

Submissions (2):

Labcorp Genetics (formerly Invitae), Labcorp
Classification: Pathogenic. Last evaluated: 2025-12-24. Review status: criteria provided, single submitter. Criteria: Invitae Variant Classification Sherloc (09022015). Collection method: clinical testing. Allele origin: germline.
Comment: This sequence change replaces alanine, which is neutral and non-polar, with threonine, which is neutral and polar, at codon 54 of the NLRP1 protein (p.Ala54Thr). This variant is not present in population databases (gnomAD no frequency). This missense change has been observed in individual(s) with multiple self healing palmoplantar carcinoma (PMID: 27662089). It has also been observed to segregate with disease in related individuals. ClinVar contains an entry for this variant (Variation ID: 375413). An algorithm developed to predict the effect of missense changes on protein structure and function (PolyPhen-2) suggests that this variant is likely to be disruptive. Experimental studies have shown that this missense change affects NLRP1 function (PMID: 27662089). For these reasons, this variant has been classified as Pathogenic.

OMIM
Classification: Pathogenic for PALMOPLANTAR CARCINOMA, MULTIPLE SELF-HEALING. Last evaluated: 2019-09-30. Review status: no assertion criteria provided. Collection method: literature only. Allele origin: germline. Not counted in ClinVar's aggregate classification.

Literature cited by the submitters: PubMed 27662089 (cited by Labcorp Genetics (formerly Invitae), Labcorp and OMIM); PubMed 25050600 (cited by OMIM).